The following is an entry in ClinVar:

ClinVar aggregate classification (germline): Pathogenic (1 of 4 stars; one submission).

Conditions:
Joubert syndrome. Also called: CEREBELLOPARENCHYMAL DISORDER IV; JOUBERT-BOLTSHAUSER SYNDROME; Familial aplasia of the vermis. Identifiers: Orphanet 475, MedGen C5979921, MONDO:0018772.

Submission:

Labcorp Genetics (formerly Invitae), Labcorp
Classification: Pathogenic for Joubert syndrome. Last evaluated: 2022-10-12. Review status: criteria provided, single submitter. Criteria: Invitae Variant Classification Sherloc (09022015). Collection method: clinical testing. Allele origin: germline.
Comment: For these reasons, this variant has been classified as Pathogenic. This variant has not been reported in the literature in individuals affected with AHI1-related conditions. This variant is not present in population databases (gnomAD no frequency). This sequence change creates a premature translational stop signal (p.Trp518*) in the AHI1 gene. It is expected to result in an absent or disrupted protein product. Loss-of-function variants in AHI1 are known to be pathogenic (PMID: 15322546, 16453322, 28442542, 29186038).

Literature cited by the submitters: PubMed 15322546; PubMed 16453322; PubMed 28442542; PubMed 29186038.

NM_001134831.2(AHI1):c.1553G>A (p.Trp518Ter)

Gene: AHI1 (Abelson helper integration site 1; minus strand). Cytogenetic location: 6q23.3.
Variant type: single nucleotide variant.
Coding change: c.1553G>A on transcript NM_001134831.2 (MANE Select); coding-DNA position 1553, G replaced by A.
Protein change: p.Trp518Ter; replaces tryptophan 518 with a stop codon.
Molecular consequence: nonsense.
Genome position (GRCh38, 1-based): chr6:135,448,363, C>T on the plus strand (G>A on the coding strand, the complement: AHI1 is on the minus strand). VCF-style: chr6-135448363-C-T. GRCh37 (hg19) VCF-style: chr6-135769501-C-T.
Other names: c.1553G>A, p.Trp518Ter (NM_001134830.2, NM_001134832.2, NM_001350503.2 and 2 more transcripts); short protein forms W518*.
Identifiers: ClinVar variation 2075591 (VCV002075591.4), dbSNP rs2484787497, ClinGen allele CA365745262.